The following is an entry in ClinVar:

ClinVar aggregate classification (germline): Uncertain significance (1 of 4 stars; one submission).

Conditions:
BCS1L-related disorder. Also called: BCS1L-related condition; BCS1L-related disorders. Identifiers: MedGen CN239240.

Submission:

3billion
Classification: Uncertain significance for BCS1L-related disorder. Last evaluated: 2025-09-08. Review status: criteria provided, single submitter. Criteria: ACMG Guidelines, 2015. Collection method: clinical testing. Allele origin: germline. Affected: yes.
Comment: The variant is observed at an extremely low frequency in the gnomAD v4.1.0 dataset (total allele frequency: <0.001%). Predicted Consequence/Location: Missense variant In silico tool predictions suggest damaging effect of the variant on gene or gene product [REVEL: 0.78 (>=0.6, sensitivity 0.68 and specificity 0.92)]. Therefore, this variant is classified as VUS according to the recommendation of ACMG/AMP guideline.

NM_001079866.2(BCS1L):c.14A>G (p.Asp5Gly)

Gene: BCS1L (BCS1 ubiquinol-cytochrome c reductase complex chaperone; plus strand). Cytogenetic location: 2q35.
Variant type: single nucleotide variant.
Coding change: c.14A>G on transcript NM_001079866.2 (MANE Select); coding-DNA position 14, A replaced by G.
Protein change: p.Asp5Gly; replaces aspartic acid 5 with glycine.
Molecular consequence: missense variant. On other transcripts: 5 prime UTR variant (5), non-coding transcript variant (1), intron variant (3).
Genome position (GRCh38, 1-based): chr2:218,661,001, A>G. VCF-style: chr2-218661001-A-G. GRCh37 (hg19) VCF-style: chr2-219525724-A-G.
Other names: c.14A>G, p.Asp5Gly (NM_001257342.2, NM_001257343.2, NM_001257344.2 and 10 more transcripts); c.-463A>G (NM_001371453.1, NM_001371454.1, NM_001371455.1 and 2 more transcripts); c.-41+253A>G (NM_001371451.1); c.-40-405A>G (NM_001318836.2); c.-41-758A>G (NM_001371452.1); short protein forms D5G.
Identifiers: ClinVar variation 4856078 (VCV004856078.1).